The following is an entry in ClinVar:

ClinVar aggregate classification (germline): Uncertain significance. Review status: criteria provided, multiple submitters, no conflicts (2 of 4 stars). 2 submissions from 2 submitters: Uncertain significance (2). Last evaluated 2025-05-04.

Conditions:
Hereditary spastic paraplegia 11. Also called: Autosomal recessive hereditary spastic paraplegia, mental impairment, and thin corpus callosum; SPASTIC PARAPLEGIA, AUTOSOMAL RECESSIVE, COMPLICATED, WITH THIN CORPUS CALLOSUM; SPASTIC PARAPLEGIA, AUTOSOMAL RECESSIVE, WITH MENTAL IMPAIRMENT AND THIN CORPUS CALLOSUM; Spastic paraplegia, mental retardation and thin corpus callosum; Spastic Paraplegia 11; Nakamura Osame syndrome. Identifiers: Orphanet 2822, MedGen C1858479, MONDO:0011445, OMIM 604360.
Inborn genetic diseases. Identifiers: MedGen C0950123, MeSH D030342.

Allele frequency attached by ClinVar (database versions not stated): gnomAD 0.00001; gnomAD exomes 0.00001 and 0.00002; TOPMed 0.00003.
gnomAD v4.1: 25 of 1,613,990 alleles (0.0015%); highest among the groups gnomAD compares: Non-Finnish European, 0.0021%; no homozygotes.

Submissions (2):

Ambry Genetics
Classification: Uncertain significance for Inborn genetic diseases. Last evaluated: 2025-05-04. Review status: criteria provided, single submitter. Criteria: Ambry Variant Classification Scheme 2023. Collection method: clinical testing. Allele origin: germline.

Labcorp Genetics (formerly Invitae), Labcorp
Classification: Uncertain significance for Hereditary spastic paraplegia 11. Last evaluated: 2022-02-23. Review status: criteria provided, single submitter. Criteria: Invitae Variant Classification Sherloc (09022015). Collection method: clinical testing. Allele origin: germline.
Comment: This sequence change replaces valine, which is neutral and non-polar, with isoleucine, which is neutral and non-polar, at codon 1460 of the SPG11 protein (p.Val1460Ile). In summary, the available evidence is currently insufficient to determine the role of this variant in disease. Therefore, it has been classified as a Variant of Uncertain Significance. Algorithms developed to predict the effect of missense changes on protein structure and function (SIFT, PolyPhen-2, Align-GVGD) all suggest that this variant is likely to be tolerated. This variant has not been reported in the literature in individuals affected with SPG11-related conditions. This variant is present in population databases (rs765071316, gnomAD 0.002%).

NM_025137.4(SPG11):c.4378G>A (p.Val1460Ile)

Gene: SPG11 (SPG11 vesicle trafficking associated, spatacsin; minus strand). Cytogenetic location: 15q21.1.
Variant type: single nucleotide variant.
Coding change: c.4378G>A on transcript NM_025137.4 (MANE Select); coding-DNA position 4378, G replaced by A.
Protein change: p.Val1460Ile; replaces valine 1460 with isoleucine.
Molecular consequence: missense variant.
Genome position (GRCh38, 1-based): chr15:44,596,139, C>T on the plus strand (G>A on the coding strand, the complement: SPG11 is on the minus strand). VCF-style: chr15-44596139-C-T. GRCh37 (hg19) VCF-style: chr15-44888337-C-T.
Other names: c.4378G>A (NM_025137.3); c.4378G>A, p.Val1460Ile (NM_001160227.2); short protein forms V1460I.
Identifiers: ClinVar variation 1481973 (VCV001481973.5), dbSNP rs765071316, ClinGen allele CA270091546.